The following is an entry in ClinVar:

NM_001046.3(SLC12A2):c.1322T>G (p.Ile441Ser)

Gene: SLC12A2 (solute carrier family 12 member 2; plus strand). Cytogenetic location: 5q23.3.
Variant type: single nucleotide variant.
Coding change: c.1322T>G on transcript NM_001046.3 (MANE Select); coding-DNA position 1322, T replaced by G.
Protein change: p.Ile441Ser; replaces isoleucine 441 with serine.
Molecular consequence: missense variant. On other transcripts: non-coding transcript variant (1).
Genome position (GRCh38, 1-based): chr5:128,135,722, T>G. VCF-style: chr5-128135722-T-G. GRCh37 (hg19) VCF-style: chr5-127471414-T-G.
Other names: c.1322T>G, p.Ile441Ser (NM_001256461.2); short protein forms I441S.
Identifiers: ClinVar variation 4293206 (VCV004293206.1).

ClinVar aggregate classification (germline): Uncertain significance (1 of 4 stars; one submission).

Conditions:
SLC12A2-related disorder. Also called: SLC12A2-related condition; SLC12A2-related disorders.

Submission:

3billion
Classification: Uncertain significance for SLC12A2-related disorder. Last evaluated: 2024-12-31. Review status: criteria provided, single submitter. Criteria: ACMG Guidelines, 2015. Collection method: clinical testing. Allele origin: germline. Affected: yes.
Comment: The variant is not observed in the gnomAD v4.1.0 dataset. Predicted Consequence/Location: Missense variant. The majority of the known disease-causing variants of this gene are variants expected to result in premature termination of the protein. In silico tool predictions suggest damaging effect of the variant on gene or gene product [REVEL: 0.97 (>=0.6, sensitivity 0.68 and specificity 0.92); 3Cnet: 0.88 (>=0.6, sensitivity 0.72 and precision 0.9)]. Different missense changes at the same codon have been reported as of uncertain significance (ClinVar ID: VCV002914817). Therefore, this variant is classified as VUS according to the recommendation of ACMG/AMP guideline.